The following is an entry in ClinVar:

ClinVar aggregate classification (germline): Uncertain significance (1 of 4 stars; one submission).

gnomAD v4.1: 7 of 1,581,708 alleles (0.00044%); highest among the groups gnomAD compares: Non-Finnish European, 0.0006%; no homozygotes.

Submission:

GeneDx
Classification: Uncertain significance. Last evaluated: 2022-02-08. Review status: criteria provided, single submitter. Criteria: GeneDx Variant Classification Process June 2021. Collection method: clinical testing. Allele origin: germline. Affected: yes.
Comment: Not observed at significant frequency in large population cohorts (gnomAD); In silico analysis supports that this missense variant does not alter protein structure/function; Has not been previously published as pathogenic or benign to our knowledge

NM_001042413.2(GLIS3):c.1185G>A (p.Met395Ile)

Gene: GLIS3 (GLIS family zinc finger 3; minus strand). Cytogenetic location: 9p24.2.
Variant type: single nucleotide variant.
Coding change: c.1185G>A on transcript NM_001042413.2 (MANE Select); coding-DNA position 1185, G replaced by A.
Protein change: p.Met395Ile; replaces methionine 395 with isoleucine.
Molecular consequence: missense variant.
Genome position (GRCh38, 1-based): chr9:4,118,293, C>T on the plus strand (G>A on the coding strand, the complement: GLIS3 is on the minus strand). VCF-style: chr9-4118293-C-T. GRCh37 (hg19) VCF-style: chr9-4118293-C-T.
Other names: c.720G>A, p.Met240Ile (NM_152629.4); short protein forms M240I, M395I.
Identifiers: ClinVar variation 1700515 (VCV001700515.2), dbSNP rs1372471620, ClinGen allele CA372807150.